The following is an entry in ClinVar:

ClinVar aggregate classification (germline): Uncertain significance. Review status: criteria provided, multiple submitters, no conflicts (2 of 4 stars). 2 submissions from 2 submitters: Uncertain significance (2). Last evaluated 2025-05-29.

Conditions:
Inborn genetic diseases. Identifiers: MedGen C0950123, MeSH D030342.
Epidermolysis bullosa simplex 5B, with muscular dystrophy (EBS5B). Also called: Epidermolysis bullosa simplex with muscular dystrophy; EPIDERMOLYSIS BULLOSA SIMPLEX AND LIMB-GIRDLE MUSCULAR DYSTROPHY. Identifiers: Orphanet 257, MedGen C2931072, MONDO:0009181, OMIM 226670.
Epidermolysis bullosa simplex, Ogna type (EBS5A). Also called: Pidermolysis bullosa simplex 5A, Ogna type; EPIDERMOLYSIS BULLOSA SIMPLEX 5A, OGNA TYPE. Identifiers: Orphanet 79401, MedGen C0432317, MONDO:0007555, OMIM 131950.
Autosomal recessive limb-girdle muscular dystrophy type 2Q (LGMDR17). Also called: MUSCULAR DYSTROPHY, LIMB-GIRDLE, AUTOSOMAL RECESSIVE 17. Identifiers: Orphanet 254361, MedGen C3150989, MONDO:0013390, OMIM 613723.
Epidermolysis bullosa simplex with nail dystrophy (EBS5D). Identifiers: MedGen C4225309, MONDO:0014661, OMIM 616487.
Epidermolysis bullosa simplex 5C, with pyloric atresia (EBS5C). Also called: Epidermolysis bullosa simplex with pyloric atresia; PLEC-Related Epidermolysis Bullosa with Pyloric Atresia; PLEC1-Related Epidermolysis Bullosa with Pyloric Atresia. Identifiers: Orphanet 158684, MedGen C2677349, MONDO:0012807, OMIM 612138.

Allele frequency attached by ClinVar (database versions not stated): gnomAD exomes below 0.00001; TOPMed below 0.00001; gnomAD 0.00001.
gnomAD v4.1: 5 of 1,594,262 alleles (0.00031%); highest among the groups gnomAD compares: African/African-American, 0.0013%; no homozygotes.

Submissions (2):

Ambry Genetics
Classification: Uncertain significance for Inborn genetic diseases. Last evaluated: 2025-05-29. Review status: criteria provided, single submitter. Criteria: Ambry Variant Classification Scheme 2023. Collection method: clinical testing. Allele origin: germline.

Labcorp Genetics (formerly Invitae), Labcorp
Classification: Uncertain significance for Autosomal recessive limb-girdle muscular dystrophy type 2Q; Epidermolysis bullosa simplex, Ogna type; Epidermolysis bullosa simplex with nail dystrophy; Epidermolysis bullosa simplex 5C, with pyloric atresia; Epidermolysis bullosa simplex 5B, with muscular dystrophy. Last evaluated: 2023-12-11. Review status: criteria provided, single submitter. Criteria: Invitae Variant Classification Sherloc (09022015). Collection method: clinical testing. Allele origin: germline.
Comment: This sequence change replaces lysine, which is basic and polar, with glutamic acid, which is acidic and polar, at codon 2044 of the PLEC protein (p.Lys2044Glu). The frequency data for this variant in the population databases is considered unreliable, as metrics indicate poor data quality at this position in the gnomAD database. This variant has not been reported in the literature in individuals affected with PLEC-related conditions. ClinVar contains an entry for this variant (Variation ID: 961698). Experimental studies and prediction algorithms are not available or were not evaluated, and the functional significance of this variant is currently unknown. In summary, the available evidence is currently insufficient to determine the role of this variant in disease. Therefore, it has been classified as a Variant of Uncertain Significance.

NM_201384.3(PLEC):c.6049A>G (p.Lys2017Glu)

Gene: PLEC (plectin; minus strand). Cytogenetic location: 8q24.3.
Variant type: single nucleotide variant.
Coding change: c.6049A>G on transcript NM_201384.3 (MANE Select); coding-DNA position 6049, A replaced by G.
Protein change: p.Lys2017Glu; replaces lysine 2017 with glutamic acid.
Molecular consequence: missense variant.
Genome position (GRCh38, 1-based): chr8:143,923,880, T>C on the plus strand (A>G on the coding strand, the complement: PLEC is on the minus strand). VCF-style: chr8-143923880-T-C. GRCh37 (hg19) VCF-style: chr8-144998048-T-C.
Other names: c.6130A>G, p.Lys2044Glu (NM_000445.5); c.6007A>G, p.Lys2003Glu (NM_201378.4); c.5983A>G, p.Lys1995Glu (NM_201379.3); c.6460A>G, p.Lys2154Glu (NM_201380.4); c.5953A>G, p.Lys1985Glu (NM_201381.3); c.6049A>G, p.Lys2017Glu (NM_201382.4); c.6061A>G, p.Lys2021Glu (NM_201383.3); c.6130A>G (NM_000445.3); short protein forms K1995E, K2003E, K2017E, K2021E, K2154E, K1985E, K2044E.
Identifiers: ClinVar variation 961698 (VCV000961698.8), dbSNP rs1254555160, ClinGen allele CA372539519.
Genomic context (GRCh38, chr8:143,923,880, plus strand): 5'-GCAGCTGCCGCGCCGACTCCTGCTCCGCTCGCTCCCGCAGGCGCCGCGCCTCCTCCACCT[T>C]GGCTTTCAGCCGCTCGACTTCCTCCAGCGCCGCCTTCCGCTGCCGTGCGGCCTCCTCCTC-3'
Protein context (NP_958786.1, residues 2007-2027): ALEEVERLKA[Lys2017Glu]VEEARRLRER